The following is an entry in ClinVar:

NM_005591.4(MRE11):c.1522del (p.Arg508fs)

Gene: MRE11 (MRE11 double strand break repair nuclease; minus strand). Cytogenetic location: 11q21.
Variant type: Deletion.
Coding change: c.1522del on transcript NM_005591.4 (MANE Select); coding-DNA position 1522, one base deleted (A; older notation c.1522delA).
Protein change: p.Arg508fs; shifts the reading frame from arginine 508.
Molecular consequence: frameshift variant.
Genome position (GRCh38, 1-based): chr11:94,456,317, T deleted on the plus strand (A on the coding strand, the reverse complement: MRE11 is on the minus strand). VCF-style (leftmost placement, unchanged base first): chr11-94456316-CT-C. GRCh37 (hg19) VCF-style: chr11-94189482-CT-C.
Other names: c.1522del, p.Arg508fs (NM_001330347.2, NM_005590.4); short protein forms R508fs.
Identifiers: ClinVar variation 2885537 (VCV002885537.3), dbSNP rs2496361252, ClinGen allele CA2739270773.

ClinVar aggregate classification (germline): Pathogenic (1 of 4 stars; one submission).

Conditions:
Ataxia-telangiectasia-like disorder (ATLD). Identifiers: MedGen C1858391, MONDO:0011457.

Submission:

Labcorp Genetics (formerly Invitae), Labcorp
Classification: Pathogenic for Ataxia-telangiectasia-like disorder. Last evaluated: 2023-09-15. Review status: criteria provided, single submitter. Criteria: Invitae Variant Classification Sherloc (09022015). Collection method: clinical testing. Allele origin: germline.
Comment: This variant is not present in population databases (gnomAD no frequency). This sequence change creates a premature translational stop signal (p.Arg508Aspfs*16) in the MRE11 gene. It is expected to result in an absent or disrupted protein product. Loss-of-function variants in MRE11 are known to be pathogenic (PMID: 23080121, 23912341). This variant has not been reported in the literature in individuals affected with MRE11-related conditions. For these reasons, this variant has been classified as Pathogenic.

Literature cited by the submitters: PubMed 23080121; PubMed 23912341.